The following is an entry in ClinVar:

ClinVar aggregate classification (germline): Uncertain significance (1 of 4 stars; one submission).

Conditions:
Peutz-Jeghers syndrome (PJS). Also called: Peutz-Jeghers polyposis; Periorificial lentiginosis syndrome; POLYPOSIS, HAMARTOMATOUS INTESTINAL; POLYPS-AND-SPOTS SYNDROME. Identifiers: Orphanet 2869, MedGen C0031269, MeSH D010580, MONDO:0008280, OMIM 175200.

Submission:

Labcorp Genetics (formerly Invitae), Labcorp
Classification: Uncertain significance for Peutz-Jeghers syndrome. Last evaluated: 2023-07-10. Review status: criteria provided, single submitter. Criteria: Invitae Variant Classification Sherloc (09022015). Collection method: clinical testing. Allele origin: germline.
Comment: Advanced modeling of protein sequence and biophysical properties (such as structural, functional, and spatial information, amino acid conservation, physicochemical variation, residue mobility, and thermodynamic stability) performed at Invitae indicates that this missense variant is expected to disrupt STK11 protein function. In summary, the available evidence is currently insufficient to determine the role of this variant in disease. Therefore, it has been classified as a Variant of Uncertain Significance. ClinVar contains an entry for this variant (Variation ID: 1395035). This variant has not been reported in the literature in individuals affected with STK11-related conditions. This variant is not present in population databases (gnomAD no frequency). This sequence change replaces isoleucine, which is neutral and non-polar, with threonine, which is neutral and polar, at codon 99 of the STK11 protein (p.Ile99Thr).

NM_000455.5(STK11):c.296T>C (p.Ile99Thr)

Gene: STK11 (serine/threonine kinase 11; plus strand). Cytogenetic location: 19p13.3.
Variant type: single nucleotide variant.
Coding change: c.296T>C on transcript NM_000455.5 (MANE Select); coding-DNA position 296, T replaced by C.
Protein change: p.Ile99Thr; replaces isoleucine 99 with threonine.
Molecular consequence: missense variant.
Genome position (GRCh38, 1-based): chr19:1,218,422, T>C. VCF-style: chr19-1218422-T-C. GRCh37 (hg19) VCF-style: chr19-1218421-T-C.
Other names: short protein forms I99T.
Identifiers: ClinVar variation 1395035 (VCV001395035.8), dbSNP rs2145420528, ClinGen allele CA402947639.